The following is an entry in ClinVar:

ClinVar aggregate classification (germline): Uncertain significance (1 of 4 stars; one submission).

Allele frequency attached by ClinVar (database versions not stated): gnomAD exomes below 0.00001.
gnomAD v4.1: 2 of 1,614,076 alleles (0.00012%); highest among the groups gnomAD compares: Non-Finnish European, 0.000085%; no homozygotes.

Submission:

Labcorp Genetics (formerly Invitae), Labcorp
Classification: Uncertain significance. Last evaluated: 2024-02-05. Review status: criteria provided, single submitter. Criteria: Invitae Variant Classification Sherloc (09022015). Collection method: clinical testing. Allele origin: germline.
Comment: This sequence change replaces arginine, which is basic and polar, with tryptophan, which is neutral and slightly polar, at codon 1492 of the CACNA1D protein (p.Arg1492Trp). This variant is not present in population databases (gnomAD no frequency). This variant has not been reported in the literature in individuals affected with CACNA1D-related conditions. ClinVar contains an entry for this variant (Variation ID: 2023400). Advanced modeling of protein sequence and biophysical properties (such as structural, functional, and spatial information, amino acid conservation, physicochemical variation, residue mobility, and thermodynamic stability) performed at Invitae indicates that this missense variant is expected to disrupt CACNA1D protein function with a positive predictive value of 80%. In summary, the available evidence is currently insufficient to determine the role of this variant in disease. Therefore, it has been classified as a Variant of Uncertain Significance.

NM_001128840.3(CACNA1D):c.4414C>T (p.Arg1472Trp)

Gene: CACNA1D (calcium voltage-gated channel subunit alpha1 D; plus strand). Cytogenetic location: 3p21.1.
Variant type: single nucleotide variant.
Coding change: c.4414C>T on transcript NM_001128840.3 (MANE Select); coding-DNA position 4414, C replaced by T.
Protein change: p.Arg1472Trp; replaces arginine 1472 with tryptophan.
Molecular consequence: missense variant.
Genome position (GRCh38, 1-based): chr3:53,776,654, C>T. VCF-style: chr3-53776654-C-T. GRCh37 (hg19) VCF-style: chr3-53810681-C-T.
Other names: c.4474C>T, p.Arg1492Trp (NM_000720.4); c.4369C>T, p.Arg1457Trp (NM_001128839.3); short protein forms R1457W, R1492W, R1472W.
Identifiers: ClinVar variation 2023400 (VCV002023400.4), dbSNP rs2474253753, ClinGen allele CA353242887.